The following is an entry in ClinVar:

NM_001354930.2(RIPK1):c.151C>T (p.Pro51Ser)

Gene: RIPK1 (receptor interacting serine/threonine kinase 1; plus strand). Cytogenetic location: 6p25.2.
Variant type: single nucleotide variant.
Coding change: c.151C>T on transcript NM_001354930.2 (MANE Select); coding-DNA position 151, C replaced by T.
Protein change: p.Pro51Ser; replaces proline 51 with serine.
Molecular consequence: missense variant. On other transcripts: 5 prime UTR variant (4).
Genome position (GRCh38, 1-based): chr6:3,076,974, C>T. VCF-style: chr6-3076974-C-T. GRCh37 (hg19) VCF-style: chr6-3077208-C-T.
Other names: c.-453C>T (NM_001317061.3, NM_001354932.2, NM_001354933.2 and 1 more transcripts); c.151C>T, p.Pro51Ser (NM_001354931.2, NM_003804.6); short protein forms P51S.
Identifiers: ClinVar variation 1405393 (VCV001405393.6), dbSNP rs1759098093, ClinGen allele CA362573023.

ClinVar aggregate classification (germline): Uncertain significance (1 of 4 stars; one submission).

Allele frequency attached by ClinVar (database versions not stated): TOPMed below 0.00001; gnomAD 0.00001.
gnomAD v4.1: 1 of 1,607,876 alleles (0.000062%); highest among the groups gnomAD compares: Admixed American, 0.0017%; no homozygotes.

Submission:

Labcorp Genetics (formerly Invitae), Labcorp
Classification: Uncertain significance. Last evaluated: 2021-03-26. Review status: criteria provided, single submitter. Criteria: Invitae Variant Classification Sherloc (09022015). Collection method: clinical testing. Allele origin: germline.
Comment: In summary, the available evidence is currently insufficient to determine the role of this variant in disease. Therefore, it has been classified as a Variant of Uncertain Significance. Algorithms developed to predict the effect of missense changes on protein structure and function are either unavailable or do not agree on the potential impact of this missense change (SIFT: "Not Available"; PolyPhen-2: "Probably Damaging"; Align-GVGD: "Not Available"). This variant has not been reported in the literature in individuals with RIPK1-related conditions. This variant is not present in population databases (ExAC no frequency). This sequence change replaces proline with serine at codon 51 of the RIPK1 protein (p.Pro51Ser). The proline residue is moderately conserved and there is a moderate physicochemical difference between proline and serine.